The following is an entry in ClinVar:

ClinVar aggregate classification (germline): Uncertain significance (1 of 4 stars; one submission).

Submission:

Labcorp Genetics (formerly Invitae), Labcorp
Classification: Uncertain significance. Last evaluated: 2025-03-12. Review status: criteria provided, single submitter. Criteria: Invitae Variant Classification Sherloc (09022015). Collection method: clinical testing. Allele origin: germline.
Comment: This variant, c.407_409del, results in the deletion of 1 amino acid(s) of the LCT protein (p.Leu136del), but otherwise preserves the integrity of the reading frame. This variant is not present in population databases (gnomAD no frequency). This variant has not been reported in the literature in individuals affected with LCT-related conditions. Experimental studies and prediction algorithms are not available or were not evaluated, and the functional significance of this variant is currently unknown. In summary, the available evidence is currently insufficient to determine the role of this variant in disease. Therefore, it has been classified as a Variant of Uncertain Significance.

NM_002299.4(LCT):c.407_409del (p.Leu136del)

Gene: LCT (lactase; minus strand). Cytogenetic location: 2q21.3.
Variant type: Deletion.
Coding change: c.407_409del on transcript NM_002299.4 (MANE Select); coding-DNA positions 407 to 409, 3 bases deleted (TCC; older notation c.407_409delTCC).
Protein change: p.Leu136del; deletes leucine 136.
Molecular consequence: inframe deletion.
Genome position (GRCh38, 1-based): chr2:135,836,761-135,836,763, GGA deleted on the plus strand (TCC on the coding strand, the reverse complement: LCT is on the minus strand); deleting any 3 consecutive bases within chr2:135,836,761-135,836,765 gives the same sequence; the c. name uses the placement nearest the transcript's 3' end. VCF-style (leftmost placement, unchanged base first): chr2-135836760-GGGA-G. GRCh37 (hg19) VCF-style: chr2-136594330-GGGA-G.
Other names: short protein forms L136del.
Identifiers: ClinVar variation 4714940 (VCV004714940.1).